The following is an entry in ClinVar:

NM_000307.5(POU3F4):c.250G>C (p.Gly84Arg)

Gene: POU3F4 (POU class 3 homeobox 4; plus strand). Cytogenetic location: Xq21.1.
Variant type: single nucleotide variant.
Coding change: c.250G>C on transcript NM_000307.5 (MANE Select); coding-DNA position 250, G replaced by C.
Protein change: p.Gly84Arg; replaces glycine 84 with arginine.
Molecular consequence: missense variant.
Genome position (GRCh38, 1-based): chrX:83,508,574, G>C. VCF-style: chrX-83508574-G-C. GRCh37 (hg19) VCF-style: chrX-82763582-G-C.
Other names: short protein forms G84R.
Identifiers: ClinVar variation 1346209 (VCV001346209.8), dbSNP rs1250947545, ClinGen allele CA413751129.

ClinVar aggregate classification (germline): Uncertain significance (1 of 4 stars; one submission).

Allele frequency attached by ClinVar (database versions not stated): gnomAD 0.00001.
gnomAD v4.1: 1 of 1,205,359 alleles (0.000083%); highest among the groups gnomAD compares: Admixed American, 0.0022%; no homozygotes.

Submission:

Labcorp Genetics (formerly Invitae), Labcorp
Classification: Uncertain significance. Last evaluated: 2021-04-17. Review status: criteria provided, single submitter. Criteria: Invitae Variant Classification Sherloc (09022015). Collection method: clinical testing. Allele origin: germline.
Comment: Algorithms developed to predict the effect of missense changes on protein structure and function (SIFT, PolyPhen-2, Align-GVGD) all suggest that this variant is likely to be tolerated, but these predictions have not been confirmed by published functional studies and their clinical significance is uncertain. In summary, the available evidence is currently insufficient to determine the role of this variant in disease. Therefore, it has been classified as a Variant of Uncertain Significance. This variant has not been reported in the literature in individuals with POU3F4-related conditions. This sequence change replaces glycine with arginine at codon 84 of the POU3F4 protein (p.Gly84Arg). The glycine residue is highly conserved and there is a moderate physicochemical difference between glycine and arginine. This variant is not present in population databases (ExAC no frequency).